The following is an entry in ClinVar:

ClinVar aggregate classification (germline): Uncertain significance (1 of 4 stars; one submission).

Conditions:
Evans syndrome, immunodeficiency, and premature immunosenescence associated with tripeptidyl-peptidase II deficiency. Identifiers: MedGen CN231723. Disease mechanism: loss of function.

gnomAD v4.1: 2 of 1,612,668 alleles (0.00012%); highest among the groups gnomAD compares: Non-Finnish European, 0.00017%; no homozygotes.

Submission:

Labcorp Genetics (formerly Invitae), Labcorp
Classification: Uncertain significance for Evans syndrome, immunodeficiency, and premature immunosenescence associated with tripeptidyl-peptidase II deficiency. Last evaluated: 2025-09-03. Review status: criteria provided, single submitter. Criteria: Invitae Variant Classification Sherloc (09022015). Collection method: clinical testing. Allele origin: germline.
Comment: This sequence change replaces proline, which is neutral and non-polar, with alanine, which is neutral and non-polar, at codon 838 of the TPP2 protein (p.Pro838Ala). This variant is not present in population databases (gnomAD no frequency). This variant has not been reported in the literature in individuals affected with TPP2-related conditions. An algorithm developed to predict the effect of missense changes on protein structure and function (PolyPhen-2) suggests that this variant is likely to be disruptive. In summary, the available evidence is currently insufficient to determine the role of this variant in disease. Therefore, it has been classified as a Variant of Uncertain Significance.

NM_001330588.2(TPP2):c.2512C>G (p.Pro838Ala)

Gene: TPP2 (tripeptidyl peptidase 2; plus strand). Cytogenetic location: 13q33.1.
Variant type: single nucleotide variant.
Coding change: c.2512C>G on transcript NM_001330588.2 (MANE Select); coding-DNA position 2512, C replaced by G.
Protein change: p.Pro838Ala; replaces proline 838 with alanine.
Molecular consequence: missense variant. On other transcripts: non-coding transcript variant (1).
Genome position (GRCh38, 1-based): chr13:102,647,228, C>G. VCF-style: chr13-102647228-C-G. GRCh37 (hg19) VCF-style: chr13-103299578-C-G.
Other names: c.2512C>G, p.Pro838Ala (NM_001367947.1, NM_003291.4); short protein forms P838A.
Identifiers: ClinVar variation 4753187 (VCV004753187.1).